The following is an entry in ClinVar:

NM_139057.4(ADAMTS17):c.178C>G (p.Arg60Gly)

Gene: ADAMTS17 (ADAM metallopeptidase with thrombospondin type 1 motif 17; minus strand). Cytogenetic location: 15q26.3.
Variant type: single nucleotide variant.
Coding change: c.178C>G on transcript NM_139057.4 (MANE Select); coding-DNA position 178, C replaced by G.
Protein change: p.Arg60Gly; replaces arginine 60 with glycine.
Molecular consequence: missense variant.
Genome position (GRCh38, 1-based): chr15:100,341,311, G>C on the plus strand (C>G on the coding strand, the complement: ADAMTS17 is on the minus strand). VCF-style: chr15-100341311-G-C. GRCh37 (hg19) VCF-style: chr15-100881516-G-C.
Other names: c.178C>G (NM_139057.2); short protein forms R60G.
Identifiers: ClinVar variation 2413327 (VCV002413327.3), dbSNP rs1273223053, ClinGen allele CA394525533.

ClinVar aggregate classification (germline): Uncertain significance. Review status: criteria provided, multiple submitters, no conflicts (2 of 4 stars). 2 submissions from 2 submitters: Uncertain significance (2). Last evaluated 2025-01-14.

Allele frequency attached by ClinVar (database versions not stated): gnomAD 0.00001.
gnomAD v4.1: 11 of 1,050,586 alleles (0.001%); highest among the groups gnomAD compares: Admixed American, 0.017%; no homozygotes.

Submissions (2):

GeneDx
Classification: Uncertain significance. Last evaluated: 2025-01-14. Review status: criteria provided, single submitter. Criteria: GeneDx Variant Classification Process June 2021. Collection method: clinical testing. Allele origin: germline. Affected: yes.
Comment: Not observed at significant frequency in large population cohorts (gnomAD); In silico analysis indicates that this missense variant does not alter protein structure/function; Has not been previously published as pathogenic or benign to our knowledge

Labcorp Genetics (formerly Invitae), Labcorp
Classification: Uncertain significance. Last evaluated: 2022-07-27. Review status: criteria provided, single submitter. Criteria: Invitae Variant Classification Sherloc (09022015). Collection method: clinical testing. Allele origin: germline.
Comment: This sequence change replaces arginine, which is basic and polar, with glycine, which is neutral and non-polar, at codon 60 of the ADAMTS17 protein (p.Arg60Gly). The frequency data for this variant in the population databases is considered unreliable, as metrics indicate insufficient coverage at this position in the gnomAD database. This variant has not been reported in the literature in individuals affected with ADAMTS17-related conditions. Algorithms developed to predict the effect of missense changes on protein structure and function are either unavailable or do not agree on the potential impact of this missense change (SIFT: "Not Available"; PolyPhen-2: "Benign"; Align-GVGD: "Not Available"). In summary, the available evidence is currently insufficient to determine the role of this variant in disease. Therefore, it has been classified as a Variant of Uncertain Significance.